The following is an entry in ClinVar:

NM_015506.3(MMACHC):c.754T>C (p.Phe252Leu)

Gene: MMACHC (metabolism of cobalamin associated C; plus strand). Cytogenetic location: 1p34.1.
Variant type: single nucleotide variant.
Coding change: c.754T>C on transcript NM_015506.3 (MANE Select); coding-DNA position 754, T replaced by C.
Protein change: p.Phe252Leu; replaces phenylalanine 252 with leucine.
Molecular consequence: missense variant.
Genome position (GRCh38, 1-based): chr1:45,509,120, T>C. VCF-style: chr1-45509120-T-C. GRCh37 (hg19) VCF-style: chr1-45974792-T-C.
Other names: c.583T>C, p.Phe195Leu (NM_001330540.2); c.754T>C (NM_015506.2); short protein forms F195L, F252L.
Identifiers: ClinVar variation 2417034 (VCV002417034.5), dbSNP rs749648988, ClinGen allele CA827851.

ClinVar aggregate classification (germline): Uncertain significance. Review status: criteria provided, multiple submitters, no conflicts (2 of 4 stars). 2 submissions from 2 submitters: Uncertain significance (2). Last evaluated 2024-02-05.

Conditions:
Inborn genetic diseases. Identifiers: MedGen C0950123, MeSH D030342.
Cobalamin C disease. Also called: Cobalamin-C methylmalonic acidemia and homocystinuria; Methylmalonic acidemia and homocystinuria cblC type; Methylmalonic aciduria and homocystinuria, Vitamin B12-responsive; Vitamin B12 metabolic defect with combined deficiency of methylmalonyl-CoA mutase and homocysteine:methyltetrahydrofolate methyltransferase; methylmalonic aciduria and homocystinuria type cblC; Methylmalonic aciduria with homocystinuria cblC type. Identifiers: Orphanet 26, Orphanet 79282, MedGen C1848561, MONDO:0010184, OMIM 277400.

Allele frequency attached by ClinVar (database versions not stated): ExAC 0.00001; gnomAD exomes 0.00001.

Submissions (2):

Ambry Genetics
Classification: Uncertain significance for Inborn genetic diseases. Last evaluated: 2024-02-05. Review status: criteria provided, single submitter. Criteria: Ambry Variant Classification Scheme 2023. Collection method: clinical testing. Allele origin: germline.

Labcorp Genetics (formerly Invitae), Labcorp
Classification: Uncertain significance for Cobalamin C disease. Last evaluated: 2022-05-20. Review status: criteria provided, single submitter. Criteria: Invitae Variant Classification Sherloc (09022015). Collection method: clinical testing. Allele origin: germline.
Comment: This sequence change replaces phenylalanine, which is neutral and non-polar, with leucine, which is neutral and non-polar, at codon 252 of the MMACHC protein (p.Phe252Leu). This variant is present in population databases (rs749648988, gnomAD 0.02%). This variant has not been reported in the literature in individuals affected with MMACHC-related conditions. Advanced modeling of protein sequence and biophysical properties (such as structural, functional, and spatial information, amino acid conservation, physicochemical variation, residue mobility, and thermodynamic stability) performed at Invitae indicates that this missense variant is not expected to disrupt MMACHC protein function. In summary, the available evidence is currently insufficient to determine the role of this variant in disease. Therefore, it has been classified as a Variant of Uncertain Significance.